The following is an entry in ClinVar:

ClinVar aggregate classification (germline): Pathogenic (1 of 4 stars; one submission).

Conditions:
Neurofibromatosis, type 1 (NF1). Also called: NEUROFIBROMATOSIS, TYPE I, SOMATIC; VON RECKLINGHAUSEN DISEASE; Peripheral type neurofibromatosis; Neurofibromatosis, type I. Identifiers: Orphanet 636, MedGen C0027831, MONDO:0018975, OMIM 162200. Disease mechanism: loss of function.

Submission:

Labcorp Genetics (formerly Invitae), Labcorp
Classification: Pathogenic for Neurofibromatosis, type 1. Last evaluated: 2025-04-02. Review status: criteria provided, single submitter. Criteria: Invitae Variant Classification Sherloc (09022015). Collection method: clinical testing. Allele origin: germline.
Comment: This sequence change creates a premature translational stop signal (p.Val2415Glyfs*4) in the NF1 gene. It is expected to result in an absent or disrupted protein product. Loss-of-function variants in NF1 are known to be pathogenic (PMID: 10712197, 23913538). This variant is not present in population databases (gnomAD no frequency). This variant has not been reported in the literature in individuals affected with NF1-related conditions. For these reasons, this variant has been classified as Pathogenic.

Literature cited by the submitters: PubMed 10712197; PubMed 23913538.

NM_001042492.3(NF1):c.7307del (p.Val2436fs)

Gene: NF1 (neurofibromin 1; plus strand). Cytogenetic location: 17q11.2.
Variant type: Deletion.
Coding change: c.7307del on transcript NM_001042492.3 (MANE Select); coding-DNA position 7307, one base deleted (T; older notation c.7307delT).
Protein change: p.Val2436fs; shifts the reading frame from valine 2436.
Molecular consequence: frameshift variant.
Genome position (GRCh38, 1-based): chr17:31,349,237, T deleted. VCF-style (leftmost placement, unchanged base first): chr17-31349236-GT-G. GRCh37 (hg19) VCF-style: chr17-29676254-GT-G.
Other names: c.7244del, p.Val2415fs (NM_000267.4); short protein forms V2415fs, V2436fs.
Identifiers: ClinVar variation 4716550 (VCV004716550.1).